The following is an entry in ClinVar:

NM_015450.3(POT1):c.771A>T (p.Thr257=)

Gene: POT1 (protection of telomeres 1; minus strand). Cytogenetic location: 7q31.33.
Variant type: single nucleotide variant.
Coding change: c.771A>T on transcript NM_015450.3 (MANE Select); coding-DNA position 771, A replaced by T.
Protein change: p.Thr257=; no amino-acid change (threonine 257 retained).
Molecular consequence: synonymous variant. On other transcripts: non-coding transcript variant (3).
Genome position (GRCh38, 1-based): chr7:124,853,070, T>A on the plus strand (A>T on the coding strand, the complement: POT1 is on the minus strand). VCF-style: chr7-124853070-T-A. GRCh37 (hg19) VCF-style: chr7-124493124-T-A.
Other names: c.378A>T, p.Thr126= (NM_001042594.2).
Identifiers: ClinVar variation 486130 (VCV000486130.50), dbSNP rs762679439, ClinGen allele CA4465356.
Genomic context (GRCh38, chr7:124,853,070, plus strand): 5'-GACCCTGATTCCCCGACCGTAACTGGTACCTCCATGAAGATGAAACTCTAAACTTAACAT[T>A]GTCTGATTCTCTGAATTCATTGATTGAAGTTTGGTATGAAGGCTATAGATTCTAAGAAAG-3'
Protein context (NP_056265.2, residues 247-267): KLQSMNSENQ[Thr257=]MLSLEFHLHG

ClinVar aggregate classification (germline): Likely benign. Review status: criteria provided, multiple submitters, no conflicts (2 of 4 stars). 9 submissions from 9 submitters: Likely benign (8). 1 of the submissions does not count toward it. Last evaluated 2026-01-22.

Conditions:
Tumor predisposition syndrome 3 (TPDS3). Also called: Glioma susceptibility 9; LONG TELOMERE SYNDROME, POT1-RELATED; POT1 Tumor Predisposition; Melanoma, cutaneous malignant, susceptibility to, 10. Identifiers: Orphanet 618, MedGen C4014476, MONDO:0014368, OMIM 615848.
POT1-related disorder. Also called: POT1-related condition.
Hereditary cancer-predisposing syndrome. Also called: Hereditary neoplastic syndrome; Neoplastic Syndromes, Hereditary; Hereditary Cancer Syndrome; Tumor predisposition. Identifiers: Orphanet 140162, MedGen C0027672, MeSH D009386, MONDO:0015356.

Allele frequency attached by ClinVar (database versions not stated): gnomAD exomes 0.00006 and 0.00008; ExAC 0.00007; TOPMed 0.00007; gnomAD 0.00010.
gnomAD v4.1: 135 of 1,610,088 alleles (0.0084%); highest among the groups gnomAD compares: Middle Eastern, 0.033%; no homozygotes.

Submissions (9):

Labcorp Genetics (formerly Invitae), Labcorp
Classification: Likely benign for Tumor predisposition syndrome 3. Last evaluated: 2026-01-22. Review status: criteria provided, single submitter. Criteria: Invitae Variant Classification Sherloc (09022015). Collection method: clinical testing. Allele origin: germline.

Quest Diagnostics Nichols Institute San Juan Capistrano
Classification: Likely benign. Last evaluated: 2025-06-03. Review status: criteria provided, single submitter. Criteria: Quest Diagnostics criteria. Collection method: clinical testing. Allele origin: unknown.

Center for Genomic Medicine, Rigshospitalet, Copenhagen University Hospital
Classification: Likely benign. Last evaluated: 2025-03-04. Review status: criteria provided, single submitter. Criteria: ACMG Guidelines, 2015. Collection method: clinical testing. Allele origin: germline.

CeGaT Center for Human Genetics Tuebingen
Classification: Likely benign. Last evaluated: 2024-11-01. Review status: criteria provided, single submitter. Criteria: CeGaT Center For Human Genetics Tuebingen Variant Classification Criteria Version 2. Collection method: clinical testing. Allele origin: germline. Affected: yes. Observed: 1 variant allele.
Comment: POT1: BP4, BP7

Blueprint Genetics
Classification: Likely benign. Last evaluated: 2024-09-11. Review status: criteria provided, single submitter. Criteria: ACMG Guidelines, 2015. Collection method: clinical testing. Allele origin: germline.

Sema4
Classification: Likely benign for Hereditary cancer-predisposing syndrome. Last evaluated: 2020-12-22. Review status: criteria provided, single submitter. Criteria: Sema4 Curation Guidelines. Collection method: curation. Allele origin: germline.

GeneDx
Classification: Likely benign. Last evaluated: 2018-01-24. Review status: criteria provided, single submitter. Criteria: GeneDx Variant Classification (06012015). Collection method: clinical testing. Allele origin: germline. Affected: yes.
Comment: This variant is considered likely benign or benign based on one or more of the following criteria: it is a conservative change, it occurs at a poorly conserved position in the protein, it is predicted to be benign by multiple in silico algorithms, and/or has population frequency not consistent with disease.

Ambry Genetics
Classification: Likely benign for Hereditary cancer-predisposing syndrome. Last evaluated: 2017-04-19. Review status: criteria provided, single submitter. Criteria: Ambry Variant Classification Scheme 2023. Collection method: clinical testing. Allele origin: germline.

PreventionGenetics, part of Exact Sciences
Classification: Likely benign for POT1-related condition. Last evaluated: 2019-05-22. Review status: no assertion criteria provided. Collection method: clinical testing. Allele origin: germline. Not counted in ClinVar's aggregate classification.
Comment: This variant is classified as likely benign based on ACMG/AMP sequence variant interpretation guidelines (Richards et al. 2015 PMID: 25741868, with internal and published modifications).